The following is an entry in ClinVar:

NM_004946.3(DOCK2):c.2485G>T (p.Val829Leu)

Gene: DOCK2 (dedicator of cytokinesis 2; plus strand). Cytogenetic location: 5q35.1.
Variant type: single nucleotide variant.
Coding change: c.2485G>T on transcript NM_004946.3 (MANE Select); coding-DNA position 2485, G replaced by T.
Protein change: p.Val829Leu; replaces valine 829 with leucine.
Molecular consequence: missense variant. On other transcripts: non-coding transcript variant (1).
Genome position (GRCh38, 1-based): chr5:169,761,556, G>T. VCF-style: chr5-169761556-G-T. GRCh37 (hg19) VCF-style: chr5-169188560-G-T.
Other names: short protein forms V829L.
Identifiers: ClinVar variation 861387 (VCV000861387.9), dbSNP rs1764491389, ClinGen allele CA362197936.

ClinVar aggregate classification (germline): Uncertain significance (1 of 4 stars; one submission).

Conditions:
DOCK2 deficiency. Also called: Immunodeficiency 40. Identifiers: Orphanet 447737, MedGen C4225328, MONDO:0014637, OMIM 616433.

Submission:

Labcorp Genetics (formerly Invitae), Labcorp
Classification: Uncertain significance for DOCK2 deficiency. Last evaluated: 2025-11-03. Review status: criteria provided, single submitter. Criteria: Invitae Variant Classification Sherloc (09022015). Collection method: clinical testing. Allele origin: germline.
Comment: This sequence change replaces valine, which is neutral and non-polar, with leucine, which is neutral and non-polar, at codon 829 of the DOCK2 protein (p.Val829Leu). This variant is not present in population databases (gnomAD no frequency). This variant has not been reported in the literature in individuals affected with DOCK2-related conditions. ClinVar contains an entry for this variant (Variation ID: 861387). An algorithm developed to predict the effect of missense changes on protein structure and function (PolyPhen-2) suggests that this variant is likely to be tolerated. In summary, the available evidence is currently insufficient to determine the role of this variant in disease. Therefore, it has been classified as a Variant of Uncertain Significance.